The following is an entry in ClinVar:

NM_001330360.2(POLA1):c.2369G>A (p.Arg790Gln)

Gene: POLA1 (DNA polymerase alpha 1, catalytic subunit; plus strand). Cytogenetic location: Xp22.11.
Variant type: single nucleotide variant.
Coding change: c.2369G>A on transcript NM_001330360.2 (MANE Select); coding-DNA position 2369, G replaced by A.
Protein change: p.Arg790Gln; replaces arginine 790 with glutamine.
Molecular consequence: missense variant. On other transcripts: non-coding transcript variant (1).
Genome position (GRCh38, 1-based): chrX:24,742,024, G>A. VCF-style: chrX-24742024-G-A. GRCh37 (hg19) VCF-style: chrX-24760141-G-A.
Other names: c.2351G>A (NM_016937.3); c.2294G>A, p.Arg765Gln (NM_001378303.1); c.2351G>A, p.Arg784Gln (NM_016937.4); short protein forms R784Q, R765Q, R790Q.
Identifiers: ClinVar variation 2147807 (VCV002147807.18), dbSNP rs1307618098, ClinGen allele CA412536347.
Genomic context (GRCh38, chrX:24,742,024, plus strand): 5'-TTTGAGCTCAAATTTAAAAAATAAATTCCATTTAATAGTCCAGGACGCTGATGGGTGGAC[G>A]ATCCGAGCGTAACGAGTTCTTGTTGCTTCATGCATTTTACGAAAACAACTATATTGTGCC-3'
Protein context (NP_001317289.1, residues 780-800): NIMSRTLMGG[Arg790Gln]SERNEFLLLH

ClinVar aggregate classification (germline): Conflicting classifications of pathogenicity. Review status: criteria provided, conflicting classifications (1 of 4 stars). 4 submissions from 4 submitters: Uncertain significance (3); Likely benign (1). Last evaluated 2025-02-11.

Conditions:
POLA1-related disorder. Also called: POLA1-related condition.
Inborn genetic diseases. Identifiers: MedGen C0950123, MeSH D030342.

Allele frequency attached by ClinVar (database versions not stated): gnomAD exomes 0.00001; gnomAD 0.00002; TOPMed 0.00003.
gnomAD v4.1: 16 of 1,200,933 alleles (0.0013%); highest among the groups gnomAD compares: Non-Finnish European, 0.0018%; no homozygotes.

Submissions (4):

PreventionGenetics, part of Exact Sciences
Classification: Uncertain significance for POLA1-related condition. Last evaluated: 2025-02-11. Review status: criteria provided, single submitter. Criteria: ACMG Guidelines, 2015. Collection method: clinical testing. Allele origin: germline.
Comment: The POLA1 c.2351G>A variant is predicted to result in the amino acid substitution p.Arg784Gln. To our knowledge, this variant has not been reported in the literature. This variant is reported in 0.0044% of alleles in individuals of European (Non-Finnish) descent in gnomAD. At this time, the clinical significance of this variant is uncertain due to the absence of conclusive functional and genetic evidence.

CeGaT Center for Human Genetics Tuebingen
Classification: Likely benign. Last evaluated: 2025-02-01. Review status: criteria provided, single submitter. Criteria: CeGaT Center For Human Genetics Tuebingen Variant Classification Criteria Version 2. Collection method: clinical testing. Allele origin: germline. Affected: yes. Observed: 1 variant allele.
Comment: POLA1: BS2

Ambry Genetics
Classification: Uncertain significance for Inborn genetic diseases. Last evaluated: 2025-01-22. Review status: criteria provided, single submitter. Criteria: Ambry Variant Classification Scheme 2023. Collection method: clinical testing. Allele origin: germline.

Labcorp Genetics (formerly Invitae), Labcorp
Classification: Uncertain significance. Last evaluated: 2024-07-15. Review status: criteria provided, single submitter. Criteria: Invitae Variant Classification Sherloc (09022015). Collection method: clinical testing. Allele origin: germline.
Comment: This sequence change replaces arginine, which is basic and polar, with glutamine, which is neutral and polar, at codon 784 of the POLA1 protein (p.Arg784Gln). This variant is present in population databases (no rsID available, gnomAD 0.004%), including at least one homozygous and/or hemizygous individual. This variant has not been reported in the literature in individuals affected with POLA1-related conditions. ClinVar contains an entry for this variant (Variation ID: 2147807). Advanced modeling of protein sequence and biophysical properties (such as structural, functional, and spatial information, amino acid conservation, physicochemical variation, residue mobility, and thermodynamic stability) performed at Invitae indicates that this missense variant is expected to disrupt POLA1 protein function with a positive predictive value of 80%. In summary, the available evidence is currently insufficient to determine the role of this variant in disease. Therefore, it has been classified as a Variant of Uncertain Significance.